The following is an entry in ClinVar:

NM_000243.3(MEFV):c.942C>T (p.Arg314=)

Gene: MEFV (MEFV innate immunity regulator, pyrin; minus strand). Cytogenetic location: 16p13.3.
Variant type: single nucleotide variant.
Coding change: c.942C>T on transcript NM_000243.3 (MANE Select); coding-DNA position 942, C replaced by T.
Protein change: p.Arg314=; no amino-acid change (arginine 314 retained).
Molecular consequence: synonymous variant.
Genome position (GRCh38, 1-based): chr16:3,249,749, G>A on the plus strand (C>T on the coding strand, the complement: MEFV is on the minus strand). VCF-style: chr16-3249749-G-A. GRCh37 (hg19) VCF-style: chr16-3299749-G-A.
Other names: p.Arg314=; c.309C>T, p.Arg103= (NM_001198536.2).
Identifiers: ClinVar variation 36515 (VCV000036515.48), dbSNP rs224213, ClinGen allele CA280286.

ClinVar aggregate classification (germline): Benign/Likely benign. Review status: criteria provided, multiple submitters, no conflicts (2 of 4 stars). 18 submissions from 17 submitters: Benign (13); Likely benign (1). 4 of the submissions do not count toward it. Last evaluated 2026-02-04.

Conditions:
Autoinflammatory syndrome. Identifiers: Orphanet 93665, MedGen C3890737, MONDO:0019751.
Inborn genetic diseases. Identifiers: MedGen C0950123, MeSH D030342.
Familial Mediterranean fever (FMF). Also called: Periodic peritonitis; Benign paroxysmal peritonitis; POLYSEROSITIS, FAMILIAL PAROXYSMAL; POLYSEROSITIS, RECURRENT. Identifiers: Orphanet 342, MedGen C0031069, MONDO:0018088, OMIM 249100. Disease mechanism: gain of function.
Familial Mediterranean fever, autosomal dominant. Also called: FMF, AUTOSOMAL DOMINANT; Dominant Familial Mediterranean Fever. Identifiers: Orphanet 342, MedGen C1851347, MONDO:0007601, OMIM 134610.

Allele frequency attached by ClinVar (database versions not stated): TOPMed 0.62617; ESP Exome Variant Server 0.59566; gnomAD 0.61317 and 0.61804; gnomAD exomes 0.62809 and 0.57662; ExAC 0.62834; 1000 Genomes Project 30x 0.69238; 1000 Genomes Project 0.69069.
gnomAD v4.1: 937,397 of 1,613,414 alleles (58%); highest among the groups gnomAD compares: South Asian, 73%; 276,500 homozygotes.

Submissions (18):

Labcorp Genetics (formerly Invitae), Labcorp
Classification: Benign for Familial Mediterranean fever. Last evaluated: 2026-02-04. Review status: criteria provided, single submitter. Criteria: Invitae Variant Classification Sherloc (09022015). Collection method: clinical testing. Allele origin: germline.

ARUP Laboratories, Molecular Genetics and Genomics, ARUP Laboratories
Classification: Benign. Last evaluated: 2025-07-31. Review status: criteria provided, single submitter. Criteria: ARUP Molecular Germline Variant Investigation Process 2024. Collection method: clinical testing. Allele origin: germline.

Blueprint Genetics
Classification: Likely benign. Last evaluated: 2024-11-27. Review status: criteria provided, single submitter. Criteria: ACMG Guidelines, 2015. Collection method: clinical testing. Allele origin: germline.

Unidad de Genómica Garrahan, Hospital de Pediatría Garrahan
Classification: Benign. Last evaluated: 2023-11-12. Review status: criteria provided, single submitter. Criteria: ACMG Guidelines, 2015. Collection method: clinical testing. Allele origin: germline. Affected: no. Observed: 84 variant alleles.
Comment: This variant is classified as Benign based on local population frequency. This variant was detected in 88% of patients studied by a panel of primary immunodeficiencies. Number of patients: 84. Only high quality variants are reported.

Mayo Clinic Laboratories, Mayo Clinic
Classification: Benign. Last evaluated: 2022-03-09. Review status: criteria provided, single submitter. Criteria: ACMG Guidelines, 2015. Collection method: clinical testing. Allele origin: germline. Observed: 1,115 variant alleles.

Genome-Nilou Lab
Classification: Benign for Familial Mediterranean fever, autosomal dominant. Last evaluated: 2021-07-01. Review status: criteria provided, single submitter. Criteria: ACMG Guidelines, 2015. Collection method: clinical testing. Allele origin: germline. Affected: no.

Genome-Nilou Lab
Classification: Benign for Familial Mediterranean fever. Last evaluated: 2021-07-01. Review status: criteria provided, single submitter. Criteria: ACMG Guidelines, 2015. Collection method: clinical testing. Allele origin: germline. Affected: no.

Illumina Laboratory Services, Illumina
Classification: Benign for Familial Mediterranean fever. Last evaluated: 2018-01-12. Review status: criteria provided, single submitter. Criteria: ICSL Variant Classification Criteria 13 December 2019. Collection method: clinical testing. Allele origin: germline.
Comment: This variant was observed in the ICSL laboratory as part of a predisposition screen in an ostensibly healthy population. It had not been previously curated by ICSL or reported in the Human Gene Mutation Database (HGMD: prior to June 1st, 2018), and was therefore a candidate for classification through an automated scoring system. Utilizing variant allele frequency, disease prevalence and penetrance estimates, and inheritance mode, an automated score was calculated to assess if this variant is too frequent to cause the disease. Based on the score and internal cut-off values, a variant classified as benign is not then subjected to further curation. The score for this variant resulted in a classification of benign for this disease.

Genome Diagnostics Laboratory, The Hospital for Sick Children
Classification: Benign for Autoinflammatory syndrome. Last evaluated: 2016-12-12. Review status: criteria provided, single submitter. Criteria: ACMG Guidelines, 2015. Collection method: clinical testing. Allele origin: germline. Affected: yes.

Ambry Genetics
Classification: Benign for Inborn genetic diseases. Last evaluated: 2016-07-12. Review status: criteria provided, single submitter. Criteria: Ambry Variant Classification Scheme 2023. Collection method: clinical testing. Allele origin: germline.

GeneDx
Classification: Benign. Last evaluated: 2015-03-03. Review status: criteria provided, single submitter. Criteria: GeneDx Variant Classification Process June 2021. Collection method: clinical testing. Allele origin: germline. Affected: yes.

Women's Health and Genetics/Laboratory Corporation of America, LabCorp
Classification: Benign for Familial Mediterranean Fever. Last evaluated: 2011-08-18. Review status: criteria provided, single submitter. Criteria: LabCorp Variant Classification Summary - May 2015. Collection method: curation, clinical testing. Allele origin: germline. Inheritance: autosomal unknown. Affected: yes.
ClinVar note: Converted during submission from benign to Benign.

Breakthrough Genomics
Classification: Benign. Review status: criteria provided, single submitter. Criteria: ACMG Guidelines, 2015. Collection method: not provided. Allele origin: germline. Inheritance: Autosomal recessive inheritance. Affected: yes.

PreventionGenetics, part of Exact Sciences
Classification: Benign. Review status: criteria provided, single submitter. Criteria: ACMG Guidelines, 2015. Collection method: clinical testing. Allele origin: germline.

Natera, Inc.
Classification: Benign for Familial Mediterranean fever. Last evaluated: 2020-09-16. Review status: no assertion criteria provided. Collection method: clinical testing. Allele origin: germline. Not counted in ClinVar's aggregate classification.

Department of Pathology and Laboratory Medicine, Sinai Health System
Classification: Uncertain significance. Review status: no assertion criteria provided. Collection method: clinical testing. Allele origin: unknown. Affected: yes. Study: The Canadian Open Genetics Repository (COGR). Not counted in ClinVar's aggregate classification.
Comment: Allele frequency is common in at least one population database (frequency: 75.895% in ExAC) based on the frequency threshold of 1.904% for this gene. Variant was observed in a homozygous state in population databases more than expected for disease. A synonymous variant not located in a splice region.

Diagnostic Laboratory, Department of Genetics, University Medical Center Groningen
Classification: Benign. Review status: no assertion criteria provided. Collection method: clinical testing. Allele origin: germline. Affected: yes. Study: VKGL Data-share Consensus. Not counted in ClinVar's aggregate classification.

Genome Diagnostics Laboratory, University Medical Center Utrecht
Classification: Benign. Review status: no assertion criteria provided. Collection method: clinical testing. Allele origin: germline. Affected: yes. Study: VKGL Data-share Consensus. Not counted in ClinVar's aggregate classification.

Literature cited by the submitters: PubMed 9668175 (cited by Women's Health and Genetics/Laboratory Corporation of America, LabCorp); PubMed 10364520 (cited by Women's Health and Genetics/Laboratory Corporation of America, LabCorp).